The following is an entry in ClinVar:

NM_019032.6(ADAMTSL4):c.1060C>T (p.Leu354Phe)

Genes: ADAMTSL4 (ADAMTS like 4; plus strand), ADAMTSL4-AS2 (ADAMTSL4 antisense RNA 2; minus strand). Cytogenetic location: 1q21.2.
Variant type: single nucleotide variant.
Coding change: c.1060C>T on transcript NM_019032.6 (MANE Select); coding-DNA position 1060, C replaced by T.
Protein change: p.Leu354Phe; replaces leucine 354 with phenylalanine.
Molecular consequence: missense variant.
Genome position (GRCh38, 1-based): chr1:150,554,051, C>T. VCF-style: chr1-150554051-C-T. GRCh37 (hg19) VCF-style: chr1-150526527-C-T.
Other names: c.1060C>T, p.Leu354Phe (NM_001288607.2, NM_001288608.2, NM_001378596.1 and 1 more transcripts); c.1060C>T (NM_019032.4); short protein forms L354F.
Identifiers: ClinVar variation 1471539 (VCV001471539.5), dbSNP rs199723016, ClinGen allele CA1078110.

ClinVar aggregate classification (germline): Uncertain significance. Review status: criteria provided, multiple submitters, no conflicts (2 of 4 stars). 2 submissions from 2 submitters: Uncertain significance (2). Last evaluated 2025-12-11.

Conditions:
Inborn genetic diseases. Identifiers: MedGen C0950123, MeSH D030342.

Allele frequency attached by ClinVar (database versions not stated): gnomAD exomes 0.00001 and 0.00003; ExAC 0.00003; TOPMed 0.00003.

Submissions (2):

Ambry Genetics
Classification: Uncertain significance for Inborn genetic diseases. Last evaluated: 2025-12-11. Review status: criteria provided, single submitter. Criteria: Ambry Variant Classification Scheme 2023. Collection method: clinical testing. Allele origin: germline.

Labcorp Genetics (formerly Invitae), Labcorp
Classification: Uncertain significance. Last evaluated: 2025-01-29. Review status: criteria provided, single submitter. Criteria: Invitae Variant Classification Sherloc (09022015). Collection method: clinical testing. Allele origin: germline.
Comment: This sequence change replaces leucine, which is neutral and non-polar, with phenylalanine, which is neutral and non-polar, at codon 354 of the ADAMTSL4 protein (p.Leu354Phe). This variant is present in population databases (rs199723016, gnomAD 0.01%). This variant has not been reported in the literature in individuals affected with ADAMTSL4-related conditions. ClinVar contains an entry for this variant (Variation ID: 1471539). Invitae Evidence Modeling of protein sequence and biophysical properties (such as structural, functional, and spatial information, amino acid conservation, physicochemical variation, residue mobility, and thermodynamic stability) indicates that this missense variant is not expected to disrupt ADAMTSL4 protein function with a negative predictive value of 80%. In summary, the available evidence is currently insufficient to determine the role of this variant in disease. Therefore, it has been classified as a Variant of Uncertain Significance.